The following is an entry in ClinVar:

NM_001458.5(FLNC):c.4504A>G (p.Thr1502Ala)

Gene: FLNC (filamin C; plus strand). Cytogenetic location: 7q32.1.
Variant type: single nucleotide variant.
Coding change: c.4504A>G on transcript NM_001458.5 (MANE Select); coding-DNA position 4504, A replaced by G.
Protein change: p.Thr1502Ala; replaces threonine 1502 with alanine.
Molecular consequence: missense variant.
Genome position (GRCh38, 1-based): chr7:128,847,992, A>G. VCF-style: chr7-128847992-A-G. GRCh37 (hg19) VCF-style: chr7-128488046-A-G.
Other names: c.4504A>G, p.Thr1502Ala (NM_001127487.2); short protein forms T1502A.
Identifiers: ClinVar variation 3750622 (VCV003750622.2).
Genomic context (GRCh38, chr7:128,847,992, plus strand): 5'-GCCCCTTGCCCAGGTGTGGCCGAGCCTGTGGAGGTGCGGGACAATGGAGATGGCACCCAC[A>G]CTGTCCACTACACCCCAGCCACTGACGGGCCCTACACGGTAGCCGTCAAGTATGCTGACC-3'
Protein context (NP_001449.3, residues 1492-1512): EVRDNGDGTH[Thr1502Ala]VHYTPATDGP

ClinVar aggregate classification (germline): Uncertain significance (1 of 4 stars; one submission).

Conditions:
Distal myopathy with posterior leg and anterior hand involvement. Also called: WILLIAMS DISTAL MYOPATHY. Identifiers: Orphanet 63273, MedGen C3279722, MONDO:0013550, OMIM 614065.
Hypertrophic cardiomyopathy 26. Also called: Cardiomyopathy, familial hypertrophic, 26. Identifiers: Orphanet 75249, MedGen C4310749, MONDO:0014883, OMIM 617047.
Myofibrillar myopathy 5. Also called: Filaminopathy (type); FILAMINOPATHY, AUTOSOMAL DOMINANT. Identifiers: Orphanet 171445, MedGen C1836050, MONDO:0012289, OMIM 609524.

gnomAD v4.1: 8 of 1,609,774 alleles (0.0005%); highest among the groups gnomAD compares: Non-Finnish European, 0.00068%; no homozygotes.

Submission:

Labcorp Genetics (formerly Invitae), Labcorp
Classification: Uncertain significance for Distal myopathy with posterior leg and anterior hand involvement; Myofibrillar myopathy 5; Hypertrophic cardiomyopathy 26. Last evaluated: 2025-09-10. Review status: criteria provided, single submitter. Criteria: Invitae Variant Classification Sherloc (09022015). Collection method: clinical testing. Allele origin: germline.
Comment: This sequence change replaces threonine, which is neutral and polar, with alanine, which is neutral and non-polar, at codon 1502 of the FLNC protein (p.Thr1502Ala). This variant is not present in population databases (gnomAD no frequency). This variant has not been reported in the literature in individuals affected with FLNC-related conditions. ClinVar contains an entry for this variant (Variation ID: 3750622). An algorithm developed to predict the effect of missense changes on protein structure and function outputs the following: PolyPhen-2: "Benign". The alanine amino acid residue is found in multiple mammalian species, which suggests that this missense change does not adversely affect protein function. In summary, the available evidence is currently insufficient to determine the role of this variant in disease. Therefore, it has been classified as a Variant of Uncertain Significance.